The following is an entry in ClinVar:

NM_003906.5(MCM3AP):c.1521A>C (p.Ile507=)

Gene: MCM3AP (minichromosome maintenance complex component 3 associated protein; minus strand). Cytogenetic location: 21q22.3.
Variant type: single nucleotide variant.
Coding change: c.1521A>C on transcript NM_003906.5 (MANE Select); coding-DNA position 1521, A replaced by C.
Protein change: p.Ile507=; no amino-acid change (isoleucine 507 retained).
Molecular consequence: synonymous variant.
Genome position (GRCh38, 1-based): chr21:46,280,498, T>G on the plus strand (A>C on the coding strand, the complement: MCM3AP is on the minus strand). VCF-style: chr21-46280498-T-G. GRCh37 (hg19) VCF-style: chr21-47700412-T-G.
Identifiers: ClinVar variation 1507709 (VCV001507709.6), dbSNP rs1026354105, ClinGen allele CA512731507.

ClinVar aggregate classification (germline): Uncertain significance (1 of 4 stars; one submission).

Allele frequency attached by ClinVar (database versions not stated): gnomAD 0.00002.
gnomAD v4.1: 5 of 1,602,304 alleles (0.00031%); highest among the groups gnomAD compares: African/African-American, 0.0067%; no homozygotes.

Submission:

Labcorp Genetics (formerly Invitae), Labcorp
Classification: Uncertain significance. Last evaluated: 2022-08-23. Review status: criteria provided, single submitter. Criteria: Invitae Variant Classification Sherloc (09022015). Collection method: clinical testing. Allele origin: germline.
Comment: ClinVar contains an entry for this variant (Variation ID: 1507709). This variant has not been reported in the literature in individuals affected with MCM3AP-related conditions. This variant is present in population databases (no rsID available, gnomAD 0.01%). This sequence change affects codon 507 of the MCM3AP mRNA. It is a 'silent' change, meaning that it does not change the encoded amino acid sequence of the MCM3AP protein. It affects a nucleotide within the consensus splice site. In summary, the available evidence is currently insufficient to determine the role of this variant in disease. Therefore, it has been classified as a Variant of Uncertain Significance. Algorithms developed to predict the effect of sequence changes on RNA splicing suggest that this variant is not likely to affect RNA splicing.